The following is an entry in ClinVar:

ClinVar aggregate classification (germline): Likely benign (1 of 4 stars; one submission).

Submission:

CeGaT Center for Human Genetics Tuebingen
Classification: Likely benign. Last evaluated: 2026-05-01. Review status: criteria provided, single submitter. Criteria: CeGaT Center For Human Genetics Tuebingen Variant Classification Criteria Version 2. Collection method: clinical testing. Allele origin: germline. Affected: yes. Observed: 2 variant alleles.
Comment: SETD1B: BP4

NM_001353345.2(SETD1B):c.545-12_545-7dup

Gene: SETD1B (SET domain containing 1B, histone lysine methyltransferase; plus strand). Cytogenetic location: 12q24.31.
Variant type: Duplication.
Coding change: c.545-12_545-7dup on transcript NM_001353345.2 (MANE Select); 12 bases into the intron before coding-DNA position 545 through 7 bases into the intron before coding-DNA position 545, 6 bases duplicated (GCCCAT; older notation c.545-12_545-7dupGCCCAT).
Molecular consequence: intron variant.
Genome position (GRCh38, 1-based): chr12:121,808,196-121,808,201, GCCCAT duplicated; duplicating any 6 consecutive bases within chr12:121,808,195-121,808,201 gives the same sequence; the c. name uses the placement nearest the transcript's 3' end. VCF-style (leftmost placement, unchanged base first): chr12-121808194-C-CTGCCCA. GRCh37 (hg19) VCF-style: chr12-122246100-C-CTGCCCA.
Identifiers: ClinVar variation 4873300 (VCV004873300.2).